The following is an entry in ClinVar:

ClinVar aggregate classification (germline): Conflicting classifications of pathogenicity. Review status: criteria provided, conflicting classifications (1 of 4 stars). 6 submissions from 6 submitters: Uncertain significance (1); Benign (1); Likely benign (4). Last evaluated 2025-11-03.

Conditions:
Inborn genetic diseases. Identifiers: MedGen C0950123, MeSH D030342.
Nance-Horan syndrome (NHS). Identifiers: Orphanet 627, MedGen C0796085, MONDO:0010545, OMIM 302350.

Allele frequency attached by ClinVar (database versions not stated): gnomAD 0.00028; TOPMed 0.00049; ExAC 0.00099; 1000 Genomes Project 0.00053; 1000 Genomes Project 30x 0.00042.
gnomAD v4.1: 603 of 1,164,187 alleles (0.052%); highest among the groups gnomAD compares: Middle Eastern, 0.45%; 1 homozygote.

Submissions (6):

Labcorp Genetics (formerly Invitae), Labcorp
Classification: Benign for Nance-Horan syndrome. Last evaluated: 2025-11-03. Review status: criteria provided, single submitter. Criteria: Invitae Variant Classification Sherloc (09022015). Collection method: clinical testing. Allele origin: germline.

Blueprint Genetics
Classification: Likely benign. Last evaluated: 2024-11-26. Review status: criteria provided, single submitter. Criteria: ACMG Guidelines, 2015. Collection method: clinical testing. Allele origin: germline.

CeGaT Center for Human Genetics Tuebingen
Classification: Likely benign. Last evaluated: 2024-06-01. Review status: criteria provided, single submitter. Criteria: CeGaT Center For Human Genetics Tuebingen Variant Classification Criteria Version 2. Collection method: clinical testing. Allele origin: germline. Affected: yes. Observed: 3 variant alleles.
Comment: NHS: BP4, BP7, BS2

Ambry Genetics
Classification: Likely benign for Inborn genetic diseases. Last evaluated: 2018-07-23. Review status: criteria provided, single submitter. Criteria: Ambry Variant Classification Scheme 2023. Collection method: clinical testing. Allele origin: germline.

Genetic Services Laboratory, University of Chicago
Classification: Likely benign. Last evaluated: 2016-03-04. Review status: criteria provided, single submitter. Criteria: ACMG Guidelines, 2015. Collection method: clinical testing. Allele origin: germline. Affected: no.

Eurofins Ntd Llc (ga)
Classification: Uncertain significance. Last evaluated: 2013-08-29. Review status: criteria provided, single submitter. Criteria: EGL Classification Definitions 2015. Collection method: clinical testing. Allele origin: germline. Observed: 1 variant allele, 1 hemizygote.

NM_001291867.2(NHS):c.513C>T (p.Leu171=)

Gene: NHS (NHS actin remodeling regulator; plus strand). Cytogenetic location: Xp22.2.
Variant type: single nucleotide variant.
Coding change: c.513C>T on transcript NM_001291867.2 (MANE Select); coding-DNA position 513, C replaced by T.
Protein change: p.Leu171=; no amino-acid change (leucine 171 retained).
Molecular consequence: synonymous variant.
Genome position (GRCh38, 1-based): chrX:17,376,270, C>T. VCF-style: chrX-17376270-C-T. GRCh37 (hg19) VCF-style: chrX-17394393-C-T.
Other names: c.513C>T, p.Leu171= (NM_198270.4).
Identifiers: ClinVar variation 96643 (VCV000096643.42), dbSNP rs398124610, ClinGen allele CA224378.
Genomic context (GRCh38, chrX:17,376,270, plus strand): 5'-GGAGCTCGAGAGCGACATCCAGCTCACCCACCGCCGCGTCTGGGCGCTGCAGGGCAAGCT[C>T]GGCGGCGTGCAGCGCGTCCTCAGCACGCTTGACCCTAAGCAGGAGGCAGTGCGTGAGTAC-3'
Protein context (NP_001278796.1, residues 161-181): HRRVWALQGK[Leu171=]GGVQRVLSTL